The following is an entry in ClinVar:

NM_170601.5(SIAE):c.1153G>A (p.Ala385Thr)

Gene: SIAE (sialic acid acetylesterase; minus strand). Cytogenetic location: 11q24.2.
Variant type: single nucleotide variant.
Coding change: c.1153G>A on transcript NM_170601.5 (MANE Select); coding-DNA position 1153, G replaced by A.
Protein change: p.Ala385Thr; replaces alanine 385 with threonine.
Molecular consequence: missense variant.
Genome position (GRCh38, 1-based): chr11:124,638,709, C>T on the plus strand (G>A on the coding strand, the complement: SIAE is on the minus strand). VCF-style: chr11-124638709-C-T. GRCh37 (hg19) VCF-style: chr11-124508605-C-T.
Other names: c.1048G>A, p.Ala350Thr (NM_001199922.2); short protein forms A385T, A350T.
Identifiers: ClinVar variation 3012581 (VCV003012581.4), dbSNP rs142442221, ClinGen allele CA6341275.

ClinVar aggregate classification (germline): Uncertain significance (1 of 4 stars; one submission).

Allele frequency attached by ClinVar (database versions not stated): gnomAD exomes below 0.00001; ExAC 0.00002; gnomAD 0.00002; TOPMed 0.00004; ESP Exome Variant Server 0.00015.
gnomAD v4.1: 5 of 1,613,976 alleles (0.00031%); highest among the groups gnomAD compares: African/African-American, 0.0067%; no homozygotes.

Submission:

Labcorp Genetics (formerly Invitae), Labcorp
Classification: Uncertain significance. Last evaluated: 2025-06-12. Review status: criteria provided, single submitter. Criteria: Invitae Variant Classification Sherloc (09022015). Collection method: clinical testing. Allele origin: germline.
Comment: This sequence change replaces alanine, which is neutral and non-polar, with threonine, which is neutral and polar, at codon 385 of the SIAE protein (p.Ala385Thr). This variant is present in population databases (rs142442221, gnomAD 0.01%). This variant has not been reported in the literature in individuals affected with SIAE-related conditions. ClinVar contains an entry for this variant (Variation ID: 3012581). An algorithm developed to predict the effect of missense changes on protein structure and function (PolyPhen-2) suggests that this variant is likely to be disruptive. In summary, the available evidence is currently insufficient to determine the role of this variant in disease. Therefore, it has been classified as a Variant of Uncertain Significance.